The following is an entry in ClinVar:

NM_014423.4(AFF4):c.1237C>A (p.Pro413Thr)

Gene: AFF4 (ALF transcription elongation factor 4; minus strand). Cytogenetic location: 5q31.1.
Variant type: single nucleotide variant.
Coding change: c.1237C>A on transcript NM_014423.4 (MANE Select); coding-DNA position 1237, C replaced by A.
Protein change: p.Pro413Thr; replaces proline 413 with threonine.
Molecular consequence: missense variant.
Genome position (GRCh38, 1-based): chr5:132,898,382, G>T on the plus strand (C>A on the coding strand, the complement: AFF4 is on the minus strand). VCF-style: chr5-132898382-G-T. GRCh37 (hg19) VCF-style: chr5-132234074-G-T.
Other names: c.1237C>A (NM_014423.3); short protein forms P413T.
Identifiers: ClinVar variation 1448623 (VCV001448623.12), dbSNP rs148886341, ClinGen allele CA3409143.

ClinVar aggregate classification (germline): Uncertain significance. Review status: criteria provided, multiple submitters, no conflicts (2 of 4 stars). 3 submissions from 3 submitters: Uncertain significance (3). Last evaluated 2026-07-24.

Conditions:
AFF4-related disorder. Also called: AFF4-related condition.
Inborn genetic diseases. Identifiers: MedGen C0950123, MeSH D030342.
Cognitive impairment - coarse facies - heart defects - obesity - pulmonary involvement - short stature - skeletal dysplasia syndrome. Also called: COGNITIVE IMPAIRMENT, COARSE FACIES, HEART DEFECTS, OBESITY, PULMONARY INVOLVEMENT, SHORT STATURE, AND SKELETAL DYSPLASIA; Chops syndrome; AFF4-Related CHOPS Syndrome. Identifiers: Orphanet 444077, MedGen C4085597, MONDO:0014609, OMIM 616368.

Allele frequency attached by ClinVar (database versions not stated): gnomAD exomes 0.00001 and 0.00003; ExAC 0.00002; gnomAD 0.00011; TOPMed 0.00013; ESP Exome Variant Server 0.00015.
gnomAD v4.1: 29 of 1,613,466 alleles (0.0018%); highest among the groups gnomAD compares: African/African-American, 0.039%; no homozygotes.

Submissions (3):

PreventionGenetics, part of Exact Sciences
Classification: Uncertain significance for AFF4-related condition. Last evaluated: 2026-07-24. Review status: criteria provided, single submitter. Criteria: ACMG Guidelines, 2015. Collection method: clinical testing. Allele origin: germline.
Comment: The AFF4 c.1237C>A variant is predicted to result in the amino acid substitution p.Pro413Thr. To our knowledge, this variant has not been reported in the literature. This variant is reported in 0.036% of alleles in individuals of African descent in gnomAD. Although we suspect that this variant may be benign, at this time, the clinical significance of this variant is uncertain due to the absence of conclusive functional and genetic evidence.

Labcorp Genetics (formerly Invitae), Labcorp
Classification: Uncertain significance for Cognitive impairment - coarse facies - heart defects - obesity - pulmonary involvement - short stature - skeletal dysplasia syndrome. Last evaluated: 2025-08-27. Review status: criteria provided, single submitter. Criteria: Invitae Variant Classification Sherloc (09022015). Collection method: clinical testing. Allele origin: germline.
Comment: This sequence change replaces proline, which is neutral and non-polar, with threonine, which is neutral and polar, at codon 413 of the AFF4 protein (p.Pro413Thr). This variant is present in population databases (rs148886341, gnomAD 0.03%). This variant has not been reported in the literature in individuals affected with AFF4-related conditions. ClinVar contains an entry for this variant (Variation ID: 1448623). Invitae Evidence Modeling of protein sequence and biophysical properties (such as structural, functional, and spatial information, amino acid conservation, physicochemical variation, residue mobility, and thermodynamic stability) indicates that this missense variant is not expected to disrupt AFF4 protein function with a negative predictive value of 80%. In summary, the available evidence is currently insufficient to determine the role of this variant in disease. Therefore, it has been classified as a Variant of Uncertain Significance.

Ambry Genetics
Classification: Uncertain significance for Inborn genetic diseases. Last evaluated: 2025-05-13. Review status: criteria provided, single submitter. Criteria: Ambry Variant Classification Scheme 2023. Collection method: clinical testing. Allele origin: germline.